The following is an entry in ClinVar:

NM_000179.3(MSH6):c.1135A>T (p.Arg379Ter)

Gene: MSH6 (mutS homolog 6; plus strand). Cytogenetic location: 2p16.3.
Variant type: single nucleotide variant.
Coding change: c.1135A>T on transcript NM_000179.3 (MANE Select); coding-DNA position 1135, A replaced by T.
Protein change: p.Arg379Ter; replaces arginine 379 with a stop codon.
Molecular consequence: nonsense.
Genome position (GRCh38, 1-based): chr2:47,799,118, A>T. VCF-style: chr2-47799118-A-T. GRCh37 (hg19) VCF-style: chr2-48026257-A-T.
Other names: c.745A>T, p.Arg249Ter (NM_001281492.2); c.229A>T, p.Arg77Ter (NM_001281493.2, NM_001281494.2); short protein forms R379*, R249*, R77*.
Identifiers: ClinVar variation 492706 (VCV000492706.13), dbSNP rs1432436629, ClinGen allele CA346742114.

ClinVar aggregate classification (germline): Pathogenic. Review status: criteria provided, multiple submitters, no conflicts (2 of 4 stars). 4 submissions from 4 submitters: Pathogenic (3). 1 of the submissions does not count toward it. Last evaluated 2023-11-15.

Conditions:
Hereditary cancer-predisposing syndrome. Also called: Hereditary neoplastic syndrome; Tumor predisposition; Hereditary Cancer Syndrome; Neoplastic Syndromes, Hereditary. Identifiers: Orphanet 140162, MedGen C0027672, MeSH D009386, MONDO:0015356.
Hereditary nonpolyposis colorectal neoplasms. Identifiers: MedGen C0009405, MeSH D003123.
Lynch syndrome 5 (LYNCH5). Also called: Colorectal cancer, hereditary nonpolyposis, type 5; Hereditary non-polyposis colorectal cancer, type 5. Identifiers: Orphanet 144, MedGen C1833477, MONDO:0013710, OMIM 614350. Disease mechanism: loss of function.

Submissions (4):

Labcorp Genetics (formerly Invitae), Labcorp
Classification: Pathogenic for Hereditary nonpolyposis colorectal neoplasms. Last evaluated: 2023-11-15. Review status: criteria provided, single submitter. Criteria: Invitae Variant Classification Sherloc (09022015). Collection method: clinical testing. Allele origin: germline.
Comment: This sequence change creates a premature translational stop signal (p.Arg379*) in the MSH6 gene. It is expected to result in an absent or disrupted protein product. Loss-of-function variants in MSH6 are known to be pathogenic (PMID: 18269114, 24362816). This variant is not present in population databases (gnomAD no frequency). This premature translational stop signal has been observed in individual(s) with clinical features of Lynch syndrome (PMID: 17117178, 28514183). ClinVar contains an entry for this variant (Variation ID: 492706). For these reasons, this variant has been classified as Pathogenic.

Myriad Genetics, Inc.
Classification: Pathogenic for Lynch syndrome 5. Last evaluated: 2023-08-11. Review status: criteria provided, single submitter. Criteria: Myriad Autosomal Dominant, Autosomal Recessive and X-Linked Classification Criteria (2023). Collection method: clinical testing. Allele origin: unknown.
Comment: This variant is considered pathogenic. This variant creates a termination codon and is predicted to result in premature protein truncation.

Ambry Genetics
Classification: Pathogenic for Hereditary cancer-predisposing syndrome. Last evaluated: 2022-06-14. Review status: criteria provided, single submitter. Criteria: Ambry Variant Classification Scheme 2023. Collection method: clinical testing. Allele origin: germline.
Comment: The p.R379* pathogenic mutation (also known as c.1135A>T), located in coding exon 4 of the MSH6 gene, results from an A to T substitution at nucleotide position 1135. This changes the amino acid from an arginine to a stop codon within coding exon 4. This alteration is expected to result in loss of function by premature protein truncation or nonsense-mediated mRNA decay. As such, this alteration is interpreted as a disease-causing mutation.

Mayo Clinic Laboratories, Mayo Clinic
Classification: Likely pathogenic. Review status: no assertion criteria provided. Collection method: clinical testing. Allele origin: unknown. Not counted in ClinVar's aggregate classification.

Literature cited by the submitters: PubMed 18269114 (cited by Labcorp Genetics (formerly Invitae), Labcorp); PubMed 24362816 (cited by Labcorp Genetics (formerly Invitae), Labcorp); PubMed 17117178 (cited by Labcorp Genetics (formerly Invitae), Labcorp); PubMed 28514183 (cited by Labcorp Genetics (formerly Invitae), Labcorp).